The following is an entry in ClinVar:

NM_000368.5(TSC1):c.1283C>T (p.Ala428Val)

Gene: TSC1 (TSC complex subunit 1; minus strand). Cytogenetic location: 9q34.13.
Variant type: single nucleotide variant.
Coding change: c.1283C>T on transcript NM_000368.5 (MANE Select); coding-DNA position 1283, C replaced by T.
Protein change: p.Ala428Val; replaces alanine 428 with valine.
Molecular consequence: missense variant.
Genome position (GRCh38, 1-based): chr9:132,907,351, G>A on the plus strand (C>T on the coding strand, the complement: TSC1 is on the minus strand). VCF-style: chr9-132907351-G-A. GRCh37 (hg19) VCF-style: chr9-135782738-G-A.
Other names: c.1280C>T, p.Ala427Val (NM_001162426.2); c.1130C>T, p.Ala377Val (NM_001162427.2); c.920C>T, p.Ala307Val (NM_001362177.2); short protein forms A428V, A427V, A307V, A377V.
Identifiers: ClinVar variation 486593 (VCV000486593.15), dbSNP rs1554816420, ClinGen allele CA375366183.
Genomic context (GRCh38, chr9:132,907,351, plus strand): 5'-GAAATTTTACCTGATCCTCTGTCATTCAGAAGATGGTGTTGTCTGTGTAGACATGGTCTT[G>A]CAGAATCCATTCTCTCTTCCTGAAAAGATAAGTATCATTTATATCACAAGACGAAAAATG-3'
Protein context (NP_000359.1, residues 418-438): PPRKEERMDS[Ala428Val]RPCLHRQHHL

ClinVar aggregate classification (germline): Uncertain significance. Review status: criteria provided, multiple submitters, no conflicts (2 of 4 stars). 4 submissions from 4 submitters: Uncertain significance (4). Last evaluated 2025-09-09.

Conditions:
Hereditary cancer-predisposing syndrome. Also called: Tumor predisposition; Neoplastic Syndromes, Hereditary; Hereditary Cancer Syndrome; Hereditary neoplastic syndrome. Identifiers: Orphanet 140162, MedGen C0027672, MeSH D009386, MONDO:0015356.
Tuberous sclerosis syndrome (TSC). Also called: Tuberous Sclerosis Complex; Tuberous sclerosis. Identifiers: Orphanet 805, MedGen C0041341, MONDO:0001734.
Tuberous sclerosis 1 (TSC1). Identifiers: Orphanet 805, MedGen C1854465, MONDO:0008612, OMIM 191100.

Allele frequency attached by ClinVar (database versions not stated): gnomAD exomes below 0.00001; gnomAD 0.00001; TOPMed 0.00001.
gnomAD v4.1: 3 of 1,613,854 alleles (0.00019%); highest among the groups gnomAD compares: Admixed American, 0.0017%; no homozygotes.

Submissions (4):

Ambry Genetics
Classification: Uncertain significance for Hereditary cancer-predisposing syndrome. Last evaluated: 2025-09-09. Review status: criteria provided, single submitter. Criteria: Ambry Variant Classification Scheme 2023. Collection method: clinical testing. Allele origin: germline.
Comment: The p.A428V variant (also known as c.1283C>T), located in coding exon 11 of the TSC1 gene, results from a C to T substitution at nucleotide position 1283. The alanine at codon 428 is replaced by valine, an amino acid with similar properties. This amino acid position is poorly conserved in available vertebrate species. In addition, this alteration is predicted to be tolerated by in silico analysis. Based on the available evidence, the clinical significance of this variant remains unclear.

Labcorp Genetics (formerly Invitae), Labcorp
Classification: Uncertain significance for Tuberous sclerosis 1. Last evaluated: 2024-12-15. Review status: criteria provided, single submitter. Criteria: Invitae Variant Classification Sherloc (09022015). Collection method: clinical testing. Allele origin: germline.
Comment: This sequence change replaces alanine, which is neutral and non-polar, with valine, which is neutral and non-polar, at codon 428 of the TSC1 protein (p.Ala428Val). This variant is not present in population databases (gnomAD no frequency). This variant has not been reported in the literature in individuals affected with TSC1-related conditions. ClinVar contains an entry for this variant (Variation ID: 486593). Invitae Evidence Modeling of protein sequence and biophysical properties (such as structural, functional, and spatial information, amino acid conservation, physicochemical variation, residue mobility, and thermodynamic stability) indicates that this missense variant is not expected to disrupt TSC1 protein function with a negative predictive value of 95%. In summary, the available evidence is currently insufficient to determine the role of this variant in disease. Therefore, it has been classified as a Variant of Uncertain Significance.

All of Us Research Program, National Institutes of Health
Classification: Uncertain significance for Tuberous sclerosis syndrome. Last evaluated: 2023-11-20. Review status: criteria provided, single submitter. Criteria: ACMG Guidelines, 2015. Collection method: clinical testing. Allele origin: germline. Inheritance: Autosomal dominant inheritance. Observed: 2 variant alleles, 2 heterozygotes.
Comment: This missense variant replaces alanine with valine at codon 428 of the TSC1 protein. Computational prediction suggests that this variant may not impact protein structure and function (internally defined REVEL score threshold <= 0.5, PMID: 27666373). To our knowledge, functional studies have not been reported for this variant. This variant has not been reported in individuals affected with TSC1-related disorders in the literature. This variant has not been identified in the general population by the Genome Aggregation Database (gnomAD). The available evidence is insufficient to determine the role of this variant in disease conclusively. Therefore, this variant is classified as a Variant of Uncertain Significance.

This study involves interpretation of variants in research participants for the purpose of population health screening. Participant phenotype was not available at the time of variant classification. Additional details can be found in publication PMID: 35346344, PMCID: PMC8962531

New York Genome Center
Classification: Uncertain significance for Tuberous sclerosis 1. Last evaluated: 2021-01-22. Review status: criteria provided, single submitter. Criteria: NYGC Assertion Criteria 2020. Collection method: clinical testing. Allele origin: inherited. Observed: 1 heterozygote. Study: CSER-NYCKidSeq.